The following is an entry in ClinVar:

ClinVar aggregate classification (germline): Pathogenic (1 of 4 stars; one submission).

Submission:

Clinical Genomics Laboratory, Laboratory for Precision Diagnostics, University of Washington
Classification: Pathogenic. Last evaluated: 2025-11-13. Review status: criteria provided, single submitter. Criteria: ACMG/ClinGen CNV Guidelines, 2019. Collection method: clinical testing. Allele origin: de novo. Affected: yes. Observed: 1 variant allele.
Comment: This is an interstitial deletion of the proximal 15q25.2 LCR15A/B-C region (Burgess 2014, Palumbo 2012). This recurrent deletion is approximately 1.62 Mb in size and contains 14 protein-coding genes. PMID: 24352913 summarized the clinical features of 11 people found to have a proximal deletion of 15q25.2. This is a rare deletion with variable phenotypes. Frequent findings were congenital heart defects, short stature, mild to moderate developmental delay or intellectual disability, anemia, and undescended testes. Congenital renal abnormalities are also frequent. Most people with this deletion have distinctive facial features, although no consistent pattern has emerged. There are seven people with this deletion in the DECIPHER database: 264647, 283311, 252225, 265188, 286355. Several have autism, intellectual disability, and/or global developmental delay. One has a congenital heart defect and diaphragmatic hernia, and one has horseshoe kidney and omphalocele.

Literature cited by the submitters: PubMed 24352913; PubMed 23166063.

GRCh38/hg38 15q25.2(chr15:82545213-84162919)x1

Genes: MIR4515 (microRNA 4515; plus strand), RAMAC (RNA guanine-7 methyltransferase activating subunit; plus strand), SCARNA15 (small Cajal body-specific RNA 15; plus strand), SH3GL3 (SH3 domain containing GRB2 like 3, endophilin A3; plus strand), SNHG21 (small nucleolar RNA host gene 21; plus strand) and 70 more. Cytogenetic location: 15q25.2.
Variant type: copy number loss.
Change: copy number 1 (one copy instead of two) of chr15:82,545,213-84,162,919 (1.62 Mb, GRCh38 coordinates, 1-based), cytogenetic band 15q25.2.
Identifiers: ClinVar variation 5038317 (VCV005038317.1).